The following is an entry in ClinVar:

ClinVar aggregate classification (germline): Uncertain significance (1 of 4 stars; one submission).

Conditions:
Perlman syndrome (PRLMNS). Identifiers: Orphanet 2849, MedGen C0796113, MONDO:0009965, OMIM 267000.

Submission:

Labcorp Genetics (formerly Invitae), Labcorp
Classification: Uncertain significance for Perlman syndrome. Last evaluated: 2023-01-08. Review status: criteria provided, single submitter. Criteria: Invitae Variant Classification Sherloc (09022015). Collection method: clinical testing. Allele origin: germline.
Comment: In summary, the available evidence is currently insufficient to determine the role of this variant in disease. Therefore, it has been classified as a Variant of Uncertain Significance. Advanced modeling of protein sequence and biophysical properties (such as structural, functional, and spatial information, amino acid conservation, physicochemical variation, residue mobility, and thermodynamic stability) performed at Invitae indicates that this missense variant is not expected to disrupt DIS3L2 protein function. This variant is not present in population databases (gnomAD no frequency). This sequence change replaces glutamic acid, which is acidic and polar, with glutamine, which is neutral and polar, at codon 495 of the DIS3L2 protein (p.Glu495Gln). This variant has not been reported in the literature in individuals affected with DIS3L2-related conditions. ClinVar contains an entry for this variant (Variation ID: 1487816).

NM_152383.5(DIS3L2):c.1483G>C (p.Glu495Gln)

Gene: DIS3L2 (DIS3 like 3'-5' exoribonuclease 2; plus strand). Cytogenetic location: 2q37.1.
Variant type: single nucleotide variant.
Coding change: c.1483G>C on transcript NM_152383.5 (MANE Select); coding-DNA position 1483, G replaced by C.
Protein change: p.Glu495Gln; replaces glutamic acid 495 with glutamine.
Molecular consequence: missense variant. On other transcripts: non-coding transcript variant (2).
Genome position (GRCh38, 1-based): chr2:232,263,264, G>C. VCF-style: chr2-232263264-G-C. GRCh37 (hg19) VCF-style: chr2-233127974-G-C.
Other names: c.1483G>C, p.Glu495Gln (NM_001257281.2); short protein forms E495Q.
Identifiers: ClinVar variation 1487816 (VCV001487816.8), dbSNP rs376140965, ClinGen allele CA350975308.
Genomic context (GRCh38, chr2:232,263,264, plus strand): 5'-CAGATCCTTGATGAATGGTTTGGCCGGACCATCATCCGCTCCTGCACCAAACTTAGCTAC[G>C]AGCATGCACAGAGCATGATTGAAAGCCCAACTGAGAAAATCCCTGCGAAAGAGCTGCCCC-3'
Protein context (NP_689596.4, residues 485-505): IIRSCTKLSY[Glu495Gln]HAQSMIESPT